The following is an entry in ClinVar:

ClinVar aggregate classification (germline): Likely benign (1 of 4 stars; one submission).

Submission:

CeGaT Center for Human Genetics Tuebingen
Classification: Likely benign. Last evaluated: 2023-10-01. Review status: criteria provided, single submitter. Criteria: CeGaT Center For Human Genetics Tuebingen Variant Classification Criteria Version 2. Collection method: clinical testing. Allele origin: germline. Affected: yes. Observed: 1 variant allele.
Comment: ZNF429: PM2:Supporting, BP4, BP7

NC_000019.10:g.21541813T>G

Gene: ZNF429 (zinc finger protein 429; plus strand). Cytogenetic location: 19p12.
Variant type: single nucleotide variant.
Genome position: GRCh38 VCF-style: chr19-21541813-T-G. GRCh37 (hg19) VCF-style: chr19-21724615-T-G.
Identifiers: ClinVar variation 2649626 (VCV002649626.24), dbSNP rs2513509277, ClinGen allele CA2583917476.